The following is an entry in ClinVar:

ClinVar aggregate classification (germline): Uncertain significance. Review status: criteria provided, single submitter (1 of 4 stars). 2 submissions from 2 submitters: Uncertain significance (1). 1 of the submissions does not count toward it. Last evaluated 2025-09-05.

Conditions:
CHD7-related disorder. Also called: CHD7-related condition.
CHARGE syndrome (CHARGE). Also called: Hittner Hirsch Kreh syndrome; CHARGE ASSOCIATION--COLOBOMA, HEART ANOMALY, CHOANAL ATRESIA, RETARDATION, GENITAL AND EAR ANOMALIES; Coloboma, heart anomaly, choanal atresia, retardation, genital and ear anomalies; CHARGE association; Hall-Hittner syndrome. Identifiers: Orphanet 138, MedGen C0265354, MONDO:0008965.

Submissions (2):

Labcorp Genetics (formerly Invitae), Labcorp
Classification: Uncertain significance for CHARGE syndrome. Last evaluated: 2025-09-05. Review status: criteria provided, single submitter. Criteria: Invitae Variant Classification Sherloc (09022015). Collection method: clinical testing. Allele origin: germline.
Comment: This sequence change replaces cysteine, which is neutral and slightly polar, with arginine, which is basic and polar, at codon 1816 of the CHD7 protein (p.Cys1816Arg). This variant is not present in population databases (gnomAD no frequency). This variant has not been reported in the literature in individuals affected with CHD7-related conditions. ClinVar contains an entry for this variant (Variation ID: 3033478). Invitae Evidence Modeling of protein sequence and biophysical properties (such as structural, functional, and spatial information, amino acid conservation, physicochemical variation, residue mobility, and thermodynamic stability) indicates that this missense variant is expected to disrupt CHD7 protein function with a positive predictive value of 95%. In summary, the available evidence is currently insufficient to determine the role of this variant in disease. Therefore, it has been classified as a Variant of Uncertain Significance.

PreventionGenetics, part of Exact Sciences
Classification: Uncertain significance for CHD7-related condition. Last evaluated: 2024-01-02. Review status: no assertion criteria provided. Collection method: clinical testing. Allele origin: germline. Not counted in ClinVar's aggregate classification.
Comment: The CHD7 c.5446T>C variant is predicted to result in the amino acid substitution p.Cys1816Arg. To our knowledge, this variant has not been reported in the literature or in a large population database, indicating this variant is rare. At this time, the clinical significance of this variant is uncertain due to the absence of conclusive functional and genetic evidence.

NM_017780.4(CHD7):c.5446T>C (p.Cys1816Arg)

Gene: CHD7 (chromodomain helicase DNA binding protein 7; plus strand). Cytogenetic location: 8q12.2.
Variant type: single nucleotide variant.
Coding change: c.5446T>C on transcript NM_017780.4 (MANE Select); coding-DNA position 5446, T replaced by C.
Protein change: p.Cys1816Arg; replaces cysteine 1816 with arginine.
Molecular consequence: missense variant. On other transcripts: intron variant (1).
Genome position (GRCh38, 1-based): chr8:60,850,534, T>C. VCF-style: chr8-60850534-T-C. GRCh37 (hg19) VCF-style: chr8-61763093-T-C.
Other names: c.1717-11695T>C (NM_001316690.1); short protein forms C1816R.
Identifiers: ClinVar variation 3033478 (VCV003033478.4), dbSNP rs1563657431, ClinGen allele CA371321589.
Genomic context (GRCh38, chr8:60,850,534, plus strand): 5'-ACGGATGGGCACGGCACAGGCTATGAGAAGTACAACTCCATGCGAGCTGACCCCGCGCTG[T>C]GCTTTCTGGAACGAGTCGGTATGCCTGATGCCAAGGCCATAGCTGCCGAGCAAAGAGGAA-3'
Protein context (NP_060250.2, residues 1806-1826): YNSMRADPAL[Cys1816Arg]FLERVGMPDA